The following is an entry in ClinVar:

NM_017617.5(NOTCH1):c.2319_2354-74del

Gene: NOTCH1 (notch receptor 1; minus strand). Cytogenetic location: 9q34.3.
Variant type: Deletion.
Coding change: c.2319_2354-74del on transcript NM_017617.5 (MANE Select); coding-DNA position 2319 through 74 bases into the intron before coding-DNA position 2354, 219 bases deleted.
Molecular consequence: splice donor variant.
Genome position (GRCh38, 1-based): chr9:136,513,208-136,513,426, 219 bases deleted. GRCh37 (hg19): chr9:139,407,664-139,407,882.
Identifiers: ClinVar variation 1504992 (VCV001504992.6), dbSNP rs2133358321, ClinGen allele CA2573144384.

ClinVar aggregate classification (germline): Likely pathogenic (1 of 4 stars; one submission).

Conditions:
Adams-Oliver syndrome 5 (AOS5). Identifiers: Orphanet 974, MedGen C4014970, MONDO:0014459, OMIM 616028.

Submission:

Labcorp Genetics (formerly Invitae), Labcorp
Classification: Likely pathogenic for Adams-Oliver syndrome 5. Last evaluated: 2021-11-18. Review status: criteria provided, single submitter. Criteria: Invitae Variant Classification Sherloc (09022015). Collection method: clinical testing. Allele origin: germline.
Comment: This variant results in the deletion of part of exon 14 (c.2319_2354-74del) of the NOTCH1 gene. It is expected to disrupt RNA splicing. Variants that disrupt the donor or acceptor splice site typically lead to a loss of protein function (PMID: 16199547), and loss-of-function variants in NOTCH1 are known to be pathogenic (PMID: 16025100, 21457232, 25132448, 25963545). This variant is not present in population databases (gnomAD no frequency). In summary, the currently available evidence indicates that the variant is pathogenic, but additional data are needed to prove that conclusively. Therefore, this variant has been classified as Likely Pathogenic. Algorithms developed to predict the effect of sequence changes on RNA splicing suggest that this variant may disrupt the consensus splice site. This variant has been observed in individual(s) with clinical features of Adams-Oliver syndrome (Invitae).

Literature cited by the submitters: PubMed 16199547; PubMed 16025100; PubMed 21457232; PubMed 25132448; PubMed 25963545.